The following is an entry in ClinVar:

NM_000400.4(ERCC2):c.478-3C>T

Gene: ERCC2 (ERCC excision repair 2, TFIIH core complex helicase subunit; minus strand). Cytogenetic location: 19q13.32.
Variant type: single nucleotide variant.
Coding change: c.478-3C>T on transcript NM_000400.4 (MANE Select); 3 bases into the intron before coding-DNA position 478, C replaced by T.
Molecular consequence: intron variant.
Genome position (GRCh38, 1-based): chr19:45,364,957, G>A on the plus strand (C>T on the coding strand, the complement: ERCC2 is on the minus strand). VCF-style: chr19-45364957-G-A. GRCh37 (hg19) VCF-style: chr19-45868215-G-A.
Other names: c.406-3C>T (NM_001130867.2).
Identifiers: ClinVar variation 1988327 (VCV001988327.4), dbSNP rs2514034383, ClinGen allele CA2580097390.

ClinVar aggregate classification (germline): Uncertain significance (1 of 4 stars; one submission).

Submission:

Labcorp Genetics (formerly Invitae), Labcorp
Classification: Uncertain significance. Last evaluated: 2022-01-28. Review status: criteria provided, single submitter. Criteria: Invitae Variant Classification Sherloc (09022015). Collection method: clinical testing. Allele origin: germline.
Comment: In summary, the available evidence is currently insufficient to determine the role of this variant in disease. Therefore, it has been classified as a Variant of Uncertain Significance. Variants that disrupt the consensus splice site are a relatively common cause of aberrant splicing (PMID: 17576681, 9536098). Algorithms developed to predict the effect of sequence changes on RNA splicing suggest that this variant is not likely to affect RNA splicing. This variant has not been reported in the literature in individuals affected with ERCC2-related conditions. This variant is not present in population databases (gnomAD no frequency). This sequence change falls in intron 6 of the ERCC2 gene. It does not directly change the encoded amino acid sequence of the ERCC2 protein. It affects a nucleotide within the consensus splice site.

Literature cited by the submitters: PubMed 17576681; PubMed 9536098.